The following is an entry in ClinVar:

ClinVar aggregate classification (germline): Uncertain significance (1 of 4 stars; one submission).

Submission:

GeneDx
Classification: Uncertain significance. Last evaluated: 2024-04-18. Review status: criteria provided, single submitter. Criteria: GeneDx Variant Classification Process June 2021. Collection method: clinical testing. Allele origin: germline. Affected: yes.
Comment: Not observed at significant frequency in large population cohorts (gnomAD); In silico analysis supports that this missense variant has a deleterious effect on protein structure/function; Has not been previously published as pathogenic or benign to our knowledge

NM_001991.5(EZH1):c.835G>A (p.Gly279Ser)

Gene: EZH1 (enhancer of zeste 1 polycomb repressive complex 2 subunit; minus strand). Cytogenetic location: 17q21.2.
Variant type: single nucleotide variant.
Coding change: c.835G>A on transcript NM_001991.5 (MANE Select); coding-DNA position 835, G replaced by A.
Protein change: p.Gly279Ser; replaces glycine 279 with serine.
Molecular consequence: missense variant.
Genome position (GRCh38, 1-based): chr17:42,718,550, C>T on the plus strand (G>A on the coding strand, the complement: EZH1 is on the minus strand). VCF-style: chr17-42718550-C-T. GRCh37 (hg19) VCF-style: chr17-40870568-C-T.
Other names: c.853G>A, p.Gly285Ser (NM_001321079.2); c.808G>A, p.Gly270Ser (NM_001321081.2); c.715G>A, p.Gly239Ser (NM_001321082.2); short protein forms G239S, G270S, G279S, G285S.
Identifiers: ClinVar variation 3372655 (VCV003372655.1).